The following is an entry in ClinVar:

ClinVar aggregate classification (germline): Uncertain significance (1 of 4 stars; one submission).

Conditions:
Inborn genetic diseases. Identifiers: MedGen C0950123, MeSH D030342.

Submission:

Ambry Genetics
Classification: Uncertain significance for Inborn genetic diseases. Last evaluated: 2024-04-18. Review status: criteria provided, single submitter. Criteria: Ambry Variant Classification Scheme 2023. Collection method: clinical testing. Allele origin: germline.
Comment: The p.S1931C variant (also known as c.5791A>T), located in coding exon 40 of the LRRK2 gene, results from an A to T substitution at nucleotide position 5791. The serine at codon 1931 is replaced by cysteine, an amino acid with dissimilar properties. This amino acid position is conserved. In addition, this alteration is predicted to be deleterious by in silico analysis. Based on the available evidence, the clinical significance of this variant remains unclear.

NM_198578.4(LRRK2):c.5791A>T (p.Ser1931Cys)

Gene: LRRK2 (leucine rich repeat kinase 2; plus strand). Cytogenetic location: 12q12.
Variant type: single nucleotide variant.
Coding change: c.5791A>T on transcript NM_198578.4 (MANE Select); coding-DNA position 5791, A replaced by T.
Protein change: p.Ser1931Cys; replaces serine 1931 with cysteine.
Molecular consequence: missense variant.
Genome position (GRCh38, 1-based): chr12:40,335,000, A>T. VCF-style: chr12-40335000-A-T. GRCh37 (hg19) VCF-style: chr12-40728802-A-T.
Other names: short protein forms S1931C.
Identifiers: ClinVar variation 3291964 (VCV003291964.1).